The following is an entry in ClinVar:

ClinVar aggregate classification (germline): Uncertain significance (1 of 4 stars; one submission).

Conditions:
Ataxia-telangiectasia syndrome (AT). Also called: Ataxia-telangiectasia, complementation group D; AT, COMPLEMENTATION GROUP C; Ataxia-telangiectasia; Ataxia telangiectasia (A-T); LOUIS-BAR SYNDROME; Cerebello-oculocutaneous telangiectasia. Identifiers: Orphanet 100, MedGen C0004135, MONDO:0008840, OMIM 208900.

Submission:

Labcorp Genetics (formerly Invitae), Labcorp
Classification: Uncertain significance for Ataxia-telangiectasia syndrome. Last evaluated: 2025-04-13. Review status: criteria provided, single submitter. Criteria: Invitae Variant Classification Sherloc (09022015). Collection method: clinical testing. Allele origin: germline.
Comment: This sequence change replaces glutamine, which is neutral and polar, with lysine, which is basic and polar, at codon 476 of the ATM protein (p.Gln476Lys). This variant is not present in population databases (gnomAD no frequency). This variant has not been reported in the literature in individuals affected with ATM-related conditions. Invitae Evidence Modeling of protein sequence and biophysical properties (such as structural, functional, and spatial information, amino acid conservation, physicochemical variation, residue mobility, and thermodynamic stability) indicates that this missense variant is not expected to disrupt ATM protein function with a negative predictive value of 95%. In summary, the available evidence is currently insufficient to determine the role of this variant in disease. Therefore, it has been classified as a Variant of Uncertain Significance.

NM_000051.4(ATM):c.1426C>A (p.Gln476Lys)

Gene: ATM (ATM serine/threonine kinase; plus strand). Cytogenetic location: 11q22.3.
Variant type: single nucleotide variant.
Coding change: c.1426C>A on transcript NM_000051.4 (MANE Select); coding-DNA position 1426, C replaced by A.
Protein change: p.Gln476Lys; replaces glutamine 476 with lysine.
Molecular consequence: missense variant.
Genome position (GRCh38, 1-based): chr11:108,250,891, C>A. VCF-style: chr11-108250891-C-A. GRCh37 (hg19) VCF-style: chr11-108121618-C-A.
Other names: c.1426C>A, p.Gln476Lys (NM_001351834.2); short protein forms Q476K.
Identifiers: ClinVar variation 4747173 (VCV004747173.1).
Genomic context (GRCh38, chr11:108,250,891, plus strand): 5'-TTACGATGCCTTACGGAAGTTGCATTGTGTCAAGACAAGAGGTCAAACCTAGAAAGCTCA[C>A]AAAAGTCAGATTTATTAAAACTCTGGAATAAAATTTGGTGTATTACCTTTCGTGGTATAA-3'
Protein context (NP_000042.3, residues 466-486): QDKRSNLESS[Gln476Lys]KSDLLKLWNK